The following is an entry in ClinVar:

NM_003072.5(SMARCA4):c.626C>T (p.Pro209Leu)

Gene: SMARCA4 (SWI/SNF related BAF chromatin remodeling complex subunit ATPase 4; plus strand). Cytogenetic location: 19p13.2.
Variant type: single nucleotide variant.
Coding change: c.626C>T on transcript NM_003072.5 (MANE Select); coding-DNA position 626, C replaced by T.
Protein change: p.Pro209Leu; replaces proline 209 with leucine.
Molecular consequence: missense variant. On other transcripts: non-coding transcript variant (1).
Genome position (GRCh38, 1-based): chr19:10,986,459, C>T. VCF-style: chr19-10986459-C-T. GRCh37 (hg19) VCF-style: chr19-11097135-C-T.
Other names: c.626C>T, p.Pro209Leu (NM_001128844.3, NM_001128845.2, NM_001128846.2 and 5 more transcripts); short protein forms P209L.
Identifiers: ClinVar variation 238506 (VCV000238506.36), dbSNP rs778071122, ClinGen allele CA9203535.
Genomic context (GRCh38, chr19:10,986,459, plus strand): 5'-TGCTGGCCAGGGGGCAGCCCCTCCCCGACCACCTGCAGATGGCGGTGCAGGGCAAGCGGC[C>T]GATGCCCGGGATGCAGCAGCAGATGCCAACGCTACCTCCACCCTCGGTGTCCGCAACAGG-3'
Protein context (NP_003063.2, residues 199-219): HLQMAVQGKR[Pro209Leu]MPGMQQQMPT

ClinVar aggregate classification (germline): Conflicting classifications of pathogenicity. Review status: criteria provided, conflicting classifications (1 of 4 stars). 7 submissions from 7 submitters: Uncertain significance (6); Likely benign (1). Last evaluated 2026-03-16.

Conditions:
Intellectual disability, autosomal dominant 16 (CSS4). Also called: COFFIN-SIRIS SYNDROME 4. Identifiers: Orphanet 1465, MedGen C3553249, MONDO:0013821, OMIM 614609.
Hereditary cancer-predisposing syndrome. Also called: Tumor predisposition; Hereditary Cancer Syndrome; Neoplastic Syndromes, Hereditary; Hereditary neoplastic syndrome. Identifiers: Orphanet 140162, MedGen C0027672, MeSH D009386, MONDO:0015356.
Rhabdoid tumor predisposition syndrome 2 (RTPS2). Identifiers: Orphanet 231108, Orphanet 69077, MedGen C2750074, MONDO:0013224, OMIM 613325.

Allele frequency attached by ClinVar (database versions not stated): gnomAD exomes 0.00001; gnomAD 0.00002; TOPMed 0.00003; ExAC 0.00005.
gnomAD v4.1: 18 of 1,558,688 alleles (0.0012%); highest among the groups gnomAD compares: Admixed American, 0.0039%; no homozygotes.

Submissions (7):

Ambry Genetics
Classification: Uncertain significance for Hereditary cancer-predisposing syndrome. Last evaluated: 2026-03-16. Review status: criteria provided, single submitter. Criteria: Ambry Variant Classification Scheme 2023. Collection method: clinical testing. Allele origin: germline.
Comment: The p.P209L variant (also known as c.626C>T), located in coding exon 3 of the SMARCA4 gene, results from a C to T substitution at nucleotide position 626. The proline at codon 209 is replaced by leucine, an amino acid with similar properties. This amino acid position is not well conserved in available vertebrate species. In addition, the in silico prediction for this alteration is inconclusive. This variant has been detected in multiple individuals with no reported features of Coffin-Siris syndrome (Ambry internal data). Based on the supporting evidence, the association of this alteration with rhabdoid tumor predisposition syndrome is unknown; however, the association of this alteration with Coffin-Siris syndrome is unlikely.

Labcorp Genetics (formerly Invitae), Labcorp
Classification: Uncertain significance for Rhabdoid tumor predisposition syndrome 2. Last evaluated: 2025-12-22. Review status: criteria provided, single submitter. Criteria: Invitae Variant Classification Sherloc (09022015). Collection method: clinical testing. Allele origin: germline.
Comment: This sequence change replaces proline, which is neutral and non-polar, with leucine, which is neutral and non-polar, at codon 209 of the SMARCA4 protein (p.Pro209Leu). This variant is not present in population databases (gnomAD no frequency). This variant has not been reported in the literature in individuals affected with SMARCA4-related conditions. ClinVar contains an entry for this variant (Variation ID: 238506). Invitae Evidence Modeling of protein sequence and biophysical properties (such as structural, functional, and spatial information, amino acid conservation, physicochemical variation, residue mobility, and thermodynamic stability) indicates that this missense variant is not expected to disrupt SMARCA4 protein function with a negative predictive value of 95%. In summary, the available evidence is currently insufficient to determine the role of this variant in disease. Therefore, it has been classified as a Variant of Uncertain Significance.

Quest Diagnostics Nichols Institute San Juan Capistrano
Classification: Uncertain significance. Last evaluated: 2025-07-29. Review status: criteria provided, single submitter. Criteria: Quest Diagnostics criteria. Collection method: clinical testing. Allele origin: unknown.
Comment: The SMARCA4 c.626C>T (p.Pro209Leu) variant has not been reported in individuals with SMARCA4-related conditions in the published literature. The frequency of this variant in the general population (Genome Aggregation Database) is uninformative in the assessment of its pathogenicity. Analysis of this variant using bioinformatics tools for the prediction of the effect of amino acid changes on protein structure and function yielded predictions that this variant is damaging. Based on the available information, we are unable to determine the clinical significance of this variant.

CeGaT Center for Human Genetics Tuebingen
Classification: Likely benign. Last evaluated: 2025-02-01. Review status: criteria provided, single submitter. Criteria: CeGaT Center For Human Genetics Tuebingen Variant Classification Criteria Version 2. Collection method: clinical testing. Allele origin: germline. Affected: yes. Observed: 1 variant allele.
Comment: SMARCA4: BS2

GeneDx
Classification: Uncertain significance. Last evaluated: 2023-08-28. Review status: criteria provided, single submitter. Criteria: GeneDx Variant Classification Process June 2021. Collection method: clinical testing. Allele origin: germline.
Comment: Not observed at significant frequency in large population cohorts (gnomAD); In silico analysis supports that this missense variant does not alter protein structure/function; Has not been previously published as pathogenic or benign to our knowledge

Baylor Genetics
Classification: Uncertain significance for Rhabdoid tumor predisposition syndrome 2. Last evaluated: 2023-07-19. Review status: criteria provided, single submitter. Criteria: ACMG Guidelines, 2015. Collection method: clinical testing. Allele origin: unknown.

Genome-Nilou Lab
Classification: Uncertain significance for Intellectual disability, autosomal dominant 16. Last evaluated: 2021-07-15. Review status: criteria provided, single submitter. Criteria: ACMG Guidelines, 2015. Collection method: clinical testing. Allele origin: germline. Affected: no.